The following is an entry in ClinVar:

NM_022114.4(PRDM16):c.3371A>T (p.Asp1124Val)

Gene: PRDM16 (PR/SET domain 16; plus strand). Cytogenetic location: 1p36.32.
Variant type: single nucleotide variant.
Coding change: c.3371A>T on transcript NM_022114.4 (MANE Select); coding-DNA position 3371, A replaced by T.
Protein change: p.Asp1124Val; replaces aspartic acid 1124 with valine.
Molecular consequence: missense variant.
Genome position (GRCh38, 1-based): chr1:3,430,958, A>T. VCF-style: chr1-3430958-A-T. GRCh37 (hg19) VCF-style: chr1-3347522-A-T.
Other names: c.3371A>T, p.Asp1124Val (NM_199454.3); short protein forms D1124V.
Identifiers: ClinVar variation 3727851 (VCV003727851.2).

ClinVar aggregate classification (germline): Uncertain significance (1 of 4 stars; one submission).

Conditions:
Left ventricular noncompaction 8 (LVNC8). Identifiers: Orphanet 154, Orphanet 54260, MedGen C3809288, MONDO:0014152, OMIM 615373.

Submission:

Labcorp Genetics (formerly Invitae), Labcorp
Classification: Uncertain significance for Left ventricular noncompaction 8. Last evaluated: 2024-12-23. Review status: criteria provided, single submitter. Criteria: Invitae Variant Classification Sherloc (09022015). Collection method: clinical testing. Allele origin: germline.
Comment: This sequence change replaces aspartic acid, which is acidic and polar, with valine, which is neutral and non-polar, at codon 1124 of the PRDM16 protein (p.Asp1124Val). This variant is not present in population databases (gnomAD no frequency). This variant has not been reported in the literature in individuals affected with PRDM16-related conditions. An algorithm developed to predict the effect of missense changes on protein structure and function (PolyPhen-2) suggests that this variant is likely to be tolerated. In summary, the available evidence is currently insufficient to determine the role of this variant in disease. Therefore, it has been classified as a Variant of Uncertain Significance.